The following is an entry in ClinVar:

ClinVar aggregate classification (germline): Conflicting classifications of pathogenicity. Review status: criteria provided, conflicting classifications (1 of 4 stars). 3 submissions from 3 submitters: Likely pathogenic (1); Uncertain significance (1). 1 of the submissions does not count toward it. Last evaluated 2025-09-26.

Conditions:
Spondylometaphyseal dysplasia, Sedaghatian type. Also called: METAPHYSEAL CHONDRODYSPLASIA, CONGENITAL LETHAL; SEDAGHATIAN CHONDRODYSPLASIA; Lethal metaphyseal dysplasia. Identifiers: Orphanet 93317, MedGen C1855229, MONDO:0009593, OMIM 250220.

Allele frequency attached by ClinVar (database versions not stated): gnomAD exomes 0.00006 and 0.00004; gnomAD 0.00001; TOPMed 0.00001; ExAC 0.00004.
gnomAD v4.1: 81 of 1,492,778 alleles (0.0054%); highest among the groups gnomAD compares: Non-Finnish European, 0.0073%; no homozygotes.

Submissions (3):

GeneDx
Classification: Likely pathogenic. Last evaluated: 2025-09-26. Review status: criteria provided, single submitter. Criteria: GeneDx Variant Classification Process June 2021. Collection method: clinical testing. Allele origin: germline. Affected: yes.
Comment: Non-canonical splice site variant demonstrated to result in loss of function (PMID: 24706940); In silico analysis supports a deleterious effect on splicing; This variant is associated with the following publications: (PMID: 24706940)

Labcorp Genetics (formerly Invitae), Labcorp
Classification: Uncertain significance. Last evaluated: 2023-09-22. Review status: criteria provided, single submitter. Criteria: Invitae Variant Classification Sherloc (09022015). Collection method: clinical testing. Allele origin: germline.
Comment: In summary, the available evidence is currently insufficient to determine the role of this variant in disease. Therefore, it has been classified as a Variant of Uncertain Significance. Variants that disrupt the consensus splice site are a relatively common cause of aberrant splicing (PMID: 17576681, 9536098). Studies have shown that this variant results in activation of a cryptic splice site and introduces a premature termination codon (PMID: 24706940). The resulting mRNA is expected to undergo nonsense-mediated decay. ClinVar contains an entry for this variant (Variation ID: 140615). This variant has been observed in individual(s) with sedaghatian-type spondylometaphyseal dysplasia (PMID: 24706940). The frequency data for this variant in the population databases is considered unreliable, as metrics indicate poor data quality at this position in the gnomAD database. This sequence change falls in intron 4 of the GPX4 gene. It does not directly change the encoded amino acid sequence of the GPX4 protein. RNA analysis indicates that this variant induces altered splicing and may result in an absent or disrupted protein product.

OMIM
Classification: Pathogenic for SPONDYLOMETAPHYSEAL DYSPLASIA, SEDAGHATIAN TYPE. Last evaluated: 2014-07-01. Review status: no assertion criteria provided. Collection method: literature only. Allele origin: germline. Not counted in ClinVar's aggregate classification.

Literature cited by the submitters: PubMed 17576681 (cited by Labcorp Genetics (formerly Invitae), Labcorp); PubMed 9536098 (cited by Labcorp Genetics (formerly Invitae), Labcorp); PubMed 24706940 (cited by Labcorp Genetics (formerly Invitae), Labcorp and OMIM).

NM_002085.5(GPX4):c.476+5G>A

Gene: GPX4 (glutathione peroxidase 4; plus strand). Cytogenetic location: 19p13.3.
Variant type: single nucleotide variant.
Coding change: c.476+5G>A on transcript NM_002085.5 (MANE Select); 5 bases into the intron after coding-DNA position 476, G replaced by A.
Molecular consequence: intron variant.
Genome position (GRCh38, 1-based): chr19:1,105,814, G>A. VCF-style: chr19-1105814-G-A. GRCh37 (hg19) VCF-style: chr19-1105813-G-A.
Other names: IVS4, G-A, +5; c.476+5G>A (NM_001039847.3); c.395+5G>A (NM_001367832.1); c.587+5G>A (NM_001039848.4).
Identifiers: ClinVar variation 140615 (VCV000140615.5), dbSNP rs775146234, ClinGen allele CA163452.